The following is an entry in ClinVar:

ClinVar aggregate classification (germline): Likely pathogenic (1 of 4 stars; one submission).

Conditions:
Bethlem myopathy 1A. Also called: Bethlem myopathy 1; MYOPATHY, BENIGN CONGENITAL, WITH CONTRACTURES; Bethlem Muscular Dystrophy. Identifiers: Orphanet 610, MedGen CN029274, MONDO:0024530, OMIM 158810.

Submission:

Labcorp Genetics (formerly Invitae), Labcorp
Classification: Likely pathogenic for Bethlem myopathy 1A. Last evaluated: 2024-10-30. Review status: criteria provided, single submitter. Criteria: Invitae Variant Classification Sherloc (09022015). Collection method: clinical testing. Allele origin: germline.
Comment: This sequence change affects an acceptor splice site in intron 23 of the COL6A1 gene. It is expected to disrupt RNA splicing. Variants that disrupt the donor or acceptor splice site typically lead to a loss of protein function (PMID: 16199547), and loss-of-function variants in COL6A1 are known to be disease-causing for autosomal recessive COL6A1-related conditions (PMID: 21280092, 20976770). However, certain variants affecting donor or acceptor splice sites in the triple helical domain of COL6A1 are expected to result in in-frame exon skipping and have been reported to cause autosomal dominant COL6A1-related conditions (PMID: 18366090). This variant is not present in population databases (gnomAD no frequency). This variant has not been reported in the literature in individuals affected with COL6A1-related conditions. ClinVar contains an entry for this variant (Variation ID: 577144). Algorithms developed to predict the effect of sequence changes on RNA splicing suggest that this variant may disrupt the consensus splice site. In summary, the currently available evidence indicates that the variant is pathogenic, but additional data are needed to prove that conclusively. Therefore, this variant has been classified as Likely Pathogenic.

Literature cited by the submitters: PubMed 16199547; PubMed 21280092; PubMed 20976770; PubMed 18366090.

NM_001848.3(COL6A1):c.1576-1G>A

Gene: COL6A1 (collagen type VI alpha 1 chain; plus strand). Cytogenetic location: 21q22.3.
Variant type: single nucleotide variant.
Coding change: c.1576-1G>A on transcript NM_001848.3 (MANE Select); the canonical splice acceptor site of the intron before coding-DNA position 1576, G replaced by A.
Molecular consequence: splice acceptor variant.
Genome position (GRCh38, 1-based): chr21:45,998,397, G>A. VCF-style: chr21-45998397-G-A. GRCh37 (hg19) VCF-style: chr21-47418311-G-A.
Identifiers: ClinVar variation 577144 (VCV000577144.9), dbSNP rs112814811, ClinGen allele CA410530193.